The following is an entry in ClinVar:

NM_181882.3(PRX):c.952del (p.Ala318fs)

Gene: PRX (periaxin; minus strand). Cytogenetic location: 19q13.2.
Variant type: Deletion.
Coding change: c.952del on transcript NM_181882.3 (MANE Select); coding-DNA position 952, one base deleted (G; older notation c.952delG).
Protein change: p.Ala318fs; shifts the reading frame from alanine 318.
Molecular consequence: frameshift variant. On other transcripts: 3 prime UTR variant (1).
Genome position (GRCh38, 1-based): chr19:40,397,400, C deleted on the plus strand (G on the coding strand, the reverse complement: PRX is on the minus strand); the first of 4 consecutive C bases (chr19:40,397,400-40,397,403); deleting any one gives the same sequence. VCF-style (leftmost placement, unchanged base first): chr19-40397399-GC-G. GRCh37 (hg19) VCF-style: chr19-40903306-GC-G.
Other names: c.1237del, p.Ala413fs (NM_001411127.1); c.*1157del (NM_020956.2); short protein forms A318fs, A413fs.
Identifiers: ClinVar variation 4854690 (VCV004854690.1).

ClinVar aggregate classification (germline): Likely pathogenic (1 of 4 stars; one submission).

Conditions:
Charcot-Marie-Tooth disease type 4F. Also called: Charcot-Marie-Tooth disease, demyelinating, type 4F. Identifiers: Orphanet 99952, MedGen C3540453, MONDO:0013959, OMIM 614895.

Submission:

3billion
Classification: Likely pathogenic for Charcot-Marie-Tooth disease type 4F. Last evaluated: 2026-01-28. Review status: criteria provided, single submitter. Criteria: ACMG Guidelines, 2015. Collection method: clinical testing. Allele origin: germline. Affected: yes.
Comment: The variant is not observed in the gnomAD v4.1.0 dataset. Predicted Consequence/Location: Frameshift: predicted to result in a loss or disruption of normal protein function through protein truncation. The predicted truncated protein may be shortened by more than 10%. Therefore, this variant is classified as Likely pathogenic according to the recommendation of ACMG/AMP guideline.